The following is an entry in ClinVar:

ClinVar aggregate classification (germline): Likely benign. Review status: criteria provided, multiple submitters, no conflicts (2 of 4 stars). 3 submissions from 3 submitters: Likely benign (3). Last evaluated 2025-10-02.

Conditions:
Congenital myasthenic syndrome 17. Identifiers: Orphanet 590, MedGen C4225377, MONDO:0014578, OMIM 616304.
Sclerosteosis 2 (SOST2). Identifiers: Orphanet 3152, MedGen C3280402, MONDO:0013679, OMIM 614305.
Cenani-Lenz syndactyly syndrome. Also called: SYNDACTYLY, TYPE VII; CENANI SYNDACTYLISM. Identifiers: Orphanet 3258, MedGen C1859309, MONDO:0008931, OMIM 212780.

Allele frequency attached by ClinVar (database versions not stated): TOPMed 0.00008; ExAC 0.00009; gnomAD 0.00006; gnomAD exomes 0.00007; ESP Exome Variant Server 0.00008.
gnomAD v4.1: 80 of 1,613,918 alleles (0.005%); highest among the groups gnomAD compares: African/African-American, 0.0093%; no homozygotes.

Submissions (3):

Labcorp Genetics (formerly Invitae), Labcorp
Classification: Likely benign for Cenani-Lenz syndactyly syndrome; Sclerosteosis 2; Congenital myasthenic syndrome 17. Last evaluated: 2025-10-02. Review status: criteria provided, single submitter. Criteria: Invitae Variant Classification Sherloc (09022015). Collection method: clinical testing. Allele origin: germline.

Blueprint Genetics
Classification: Likely benign. Last evaluated: 2024-06-25. Review status: criteria provided, single submitter. Criteria: ACMG Guidelines, 2015. Collection method: clinical testing. Allele origin: germline.

CeGaT Center for Human Genetics Tuebingen
Classification: Likely benign. Last evaluated: 2022-07-01. Review status: criteria provided, single submitter. Criteria: CeGaT Center For Human Genetics Tuebingen Variant Classification Criteria Version 2. Collection method: clinical testing. Allele origin: germline. Affected: yes. Observed: 1 variant allele.
Comment: LRP4: BP4, BP7

NM_002334.4(LRP4):c.1023C>T (p.Ser341=)

Gene: LRP4 (LDL receptor related protein 4; minus strand). Cytogenetic location: 11p11.2.
Variant type: single nucleotide variant.
Coding change: c.1023C>T on transcript NM_002334.4 (MANE Select); coding-DNA position 1023, C replaced by T.
Protein change: p.Ser341=; no amino-acid change (serine 341 retained).
Molecular consequence: synonymous variant.
Genome position (GRCh38, 1-based): chr11:46,896,235, G>A on the plus strand (C>T on the coding strand, the complement: LRP4 is on the minus strand). VCF-style: chr11-46896235-G-A. GRCh37 (hg19) VCF-style: chr11-46917786-G-A.
Identifiers: ClinVar variation 782203 (VCV000782203.35), dbSNP rs200097836, ClinGen allele CA5970302.